The following is an entry in ClinVar:

ClinVar aggregate classification (germline): Likely benign (0 of 4 stars; one submission).

Conditions:
MEG3-related disorder. Also called: MEG3-related condition.

Submission:

PreventionGenetics, part of Exact Sciences
Classification: Likely benign for MEG3-related condition. Last evaluated: 2022-04-05. Review status: no assertion criteria provided. Collection method: clinical testing. Allele origin: germline.
Comment: This variant is classified as likely benign based on ACMG/AMP sequence variant interpretation guidelines (Richards et al. 2015 PMID: 25741868, with internal and published modifications).

NR_046473.1(MEG3):n.5994_6001del

Gene: MEG3 (maternally expressed 3; plus strand). Cytogenetic location: 14q32.2.
Variant type: Deletion.
Molecular consequence: non-coding transcript variant (on NR_046473.1).
Genome position: GRCh38 VCF-style: chr14-100850603-CAAAAAAGA-C. GRCh37 (hg19) VCF-style: chr14-101316940-CAAAAAAGA-C.
Identifiers: ClinVar variation 3035333 (VCV003035333.2), dbSNP rs1274309643, ClinGen allele CA616342196.